The following is an entry in ClinVar:

ClinVar aggregate classification (germline): Uncertain significance (1 of 4 stars; one submission).

Conditions:
Finnish congenital nephrotic syndrome (NPHS1). Also called: NEPHROTIC SYNDROME, TYPE 1. Identifiers: Orphanet 839, MedGen C0403399, MONDO:0009732, OMIM 256300.

Allele frequency attached by ClinVar (database versions not stated): gnomAD exomes below 0.00001; TOPMed below 0.00001; gnomAD 0.00001.

Submission:

Victorian Clinical Genetics Services, Murdoch Childrens Research Institute
Classification: Uncertain significance for Finnish congenital nephrotic syndrome. Last evaluated: 2021-05-06. Review status: criteria provided, single submitter. Criteria: ACMG Guidelines, 2015. Collection method: clinical testing. Allele origin: germline. Inheritance: Autosomal recessive inheritance. Affected: yes.
Comment: Based on the classification scheme VCGS_Germline_v1.3.4, this variant is classified as VUS-3A. Following criteria are met: 0102 - Loss of function is a known mechanism of disease in this gene and is associated with type 1 nephrotic syndrome (MIM#256300). (I) 0106 - This gene is associated with autosomal recessive disease. (I) 0200 - Variant is predicted to result in a missense amino acid change from glycine to arginine. (I) 0251 - This variant is heterozygous. (I) 0304 - Variant is present in gnomAD (v2) <0.01 for a recessive condition (1 heterozygote, 0 homozygotes). (SP) 0309 - An alternative amino acid change at the same position has been observed in gnomAD (v2) (6 heterozygotes, 0 homozygotes). (I) 0501 - Missense variant consistently predicted to be damaging by multiple in silico tools or highly conserved with a major amino acid change. (SP) 0600 - Variant is located in the annotated fibronectin type III domain (PDB). (I) 0704 - Another missense variant comparable to the one identified in this case has limited previous evidence for pathogenicity. The p.(Gly1020Val) variant has been reported as homozygous in a patient with infantile nephrotic syndrome (PMID: 22565185). (SP) 0807 - This variant has no previous evidence of pathogenicity. (I) 0905 - No published segregation evidence has been identified for this variant. (I) 1007 - No published functional evidence has been identified for this variant. (I) Legend: (SP) - Supporting pathogenic, (I) - Information, (SB) - Supporting benign

Literature cited by the submitters: PubMed 22565185.

NM_004646.4(NPHS1):c.3058G>A (p.Gly1020Arg)

Gene: NPHS1 (NPHS1 adhesion molecule, nephrin; minus strand). Cytogenetic location: 19q13.12.
Variant type: single nucleotide variant.
Coding change: c.3058G>A on transcript NM_004646.4 (MANE Select); coding-DNA position 3058, G replaced by A.
Protein change: p.Gly1020Arg; replaces glycine 1020 with arginine.
Molecular consequence: missense variant.
Genome position (GRCh38, 1-based): chr19:35,839,288, C>T on the plus strand (G>A on the coding strand, the complement: NPHS1 is on the minus strand). VCF-style: chr19-35839288-C-T. GRCh37 (hg19) VCF-style: chr19-36330190-C-T.
Other names: short protein forms G1020R.
Identifiers: ClinVar variation 1806202 (VCV001806202.1), dbSNP rs1290764236, ClinGen allele CA405384657.
Genomic context (GRCh38, chr19:35,839,288, plus strand): 5'-CCTTCCCACCTGGGGTAGTGATGGGAAGCTGGGTCCCTTTGTCAGCCAGTCCACTGTCCC[C>T]CAAGGCATTACTGGCCAGCAGCCAGACCCTGTATCTTGTAGAAGGCTGTAGACCAGTCAG-3'
Protein context (NP_004637.1, residues 1010-1030): RVWLLASNAL[Gly1020Arg]DSGLADKGTQ